The following is an entry in ClinVar:

NM_000276.4(OCRL):c.1121C>G (p.Ser374Cys)

Gene: OCRL (OCRL inositol polyphosphate-5-phosphatase; plus strand). Cytogenetic location: Xq26.1.
Variant type: single nucleotide variant.
Coding change: c.1121C>G on transcript NM_000276.4 (MANE Select); coding-DNA position 1121, C replaced by G.
Protein change: p.Ser374Cys; replaces serine 374 with cysteine.
Molecular consequence: missense variant.
Genome position (GRCh38, 1-based): chrX:129,562,663, C>G. VCF-style: chrX-129562663-C-G. GRCh37 (hg19) VCF-style: chrX-128696640-C-G.
Other names: c.1124C>G, p.Ser375Cys (NM_001318784.2); c.1121C>G, p.Ser374Cys (NM_001587.4); short protein forms S374C, S375C.
Identifiers: ClinVar variation 3907287 (VCV003907287.1).

ClinVar aggregate classification (germline): Uncertain significance (1 of 4 stars; one submission).

Submission:

Women's Health and Genetics/Laboratory Corporation of America, LabCorp
Classification: Uncertain significance. Last evaluated: 2025-06-09. Review status: criteria provided, single submitter. Criteria: LabCorp Variant Classification Summary - May 2015. Collection method: clinical testing. Allele origin: germline.
Comment: Variant summary: OCRL c.1121C>G (p.Ser374Cys) results in a non-conservative amino acid change in the encoded protein sequence. Algorithms developed to predict the effect of missense changes on protein structure and function all suggest that this variant is likely to be disruptive. The variant was absent in 183417 control chromosomes. The available data on variant occurrences in the general population are insufficient to allow any conclusion about variant significance. To our knowledge, no occurrence of c.1121C>G in individuals affected with Dent Disease and no experimental evidence demonstrating its impact on protein function have been reported. No submitters have cited clinical-significance assessments for this variant to ClinVar. Based on the evidence outlined above, the variant was classified as uncertain significance.